The following is an entry in ClinVar:

ClinVar aggregate classification (germline): Benign. Review status: criteria provided, multiple submitters, no conflicts (2 of 4 stars). 3 submissions from 3 submitters: Benign (2). 1 of the submissions does not count toward it. Last evaluated 2018-10-01.

Conditions:
PRR12-related disorder. Also called: PRR12-related condition.

Allele frequency attached by ClinVar (database versions not stated): 1000 Genomes Project 0.14337; 1000 Genomes Project 30x 0.14507; TOPMed 0.15172; gnomAD 0.15633 and 0.15899; ESP Exome Variant Server 0.16021; gnomAD exomes 0.16334 and 0.16990; ExAC 0.17404.

Submissions (3):

GeneDx
Classification: Benign. Last evaluated: 2018-10-01. Review status: criteria provided, single submitter. Criteria: GeneDx Variant Classification Process June 2021. Collection method: clinical testing. Allele origin: germline. Affected: yes.

Breakthrough Genomics
Classification: Benign. Review status: criteria provided, single submitter. Criteria: ACMG Guidelines, 2015. Collection method: not provided. Allele origin: germline. Inheritance: Autosomal dominant inheritance. Affected: yes.

PreventionGenetics, part of Exact Sciences
Classification: Benign for PRR12-related condition. Last evaluated: 2019-10-21. Review status: no assertion criteria provided. Collection method: clinical testing. Allele origin: germline. Not counted in ClinVar's aggregate classification.
Comment: This variant is classified as benign based on ACMG/AMP sequence variant interpretation guidelines (Richards et al. 2015 PMID: 25741868, with internal and published modifications).

NM_020719.3(PRR12):c.1830C>T (p.Ala610=)

Gene: PRR12 (proline rich 12; plus strand). Cytogenetic location: 19q13.33.
Variant type: single nucleotide variant.
Coding change: c.1830C>T on transcript NM_020719.3 (MANE Select); coding-DNA position 1830, C replaced by T.
Protein change: p.Ala610=; no amino-acid change (alanine 610 retained).
Molecular consequence: synonymous variant.
Genome position (GRCh38, 1-based): chr19:49,596,165, C>T. VCF-style: chr19-49596165-C-T. GRCh37 (hg19) VCF-style: chr19-50099422-C-T.
Other names: c.1830C>T (NM_020719.2).
Identifiers: ClinVar variation 1297799 (VCV001297799.5), dbSNP rs73058052, ClinGen allele CA9577954.